The following is an entry in ClinVar:

NM_007055.4(POLR3A):c.2119C>T (p.Gln707Ter)

Gene: POLR3A (RNA polymerase III subunit A; minus strand). Cytogenetic location: 10q22.3.
Variant type: single nucleotide variant.
Coding change: c.2119C>T on transcript NM_007055.4 (MANE Select); coding-DNA position 2119, C replaced by T.
Protein change: p.Gln707Ter; replaces glutamine 707 with a stop codon.
Molecular consequence: nonsense.
Genome position (GRCh38, 1-based): chr10:78,004,844, G>A on the plus strand (C>T on the coding strand, the complement: POLR3A is on the minus strand). VCF-style: chr10-78004844-G-A. GRCh37 (hg19) VCF-style: chr10-79764602-G-A.
Other names: NM_007055.4(POLR3A):c.2119C>T; p.Gln707Ter; short protein forms Q707*.
Identifiers: ClinVar variation 430255 (VCV000430255.6), dbSNP rs780839834, ClinGen allele CA5571209.

ClinVar aggregate classification (germline): Pathogenic/Likely pathogenic. Review status: criteria provided, multiple submitters, no conflicts (2 of 4 stars). 3 submissions from 3 submitters: Pathogenic (1); Likely pathogenic (2). Last evaluated 2023-01-24.

Conditions:
Leukodystrophy, hypomyelinating, 7, with or without oligodontia and/or hypogonadotropic hypogonadism (HLD7). Also called: LEUKOENCEPHALOPATHY, HYPOMYELINATING, WITH ATAXIA AND DELAYED DENTITION; ATAXIA, DELAYED DENTITION, AND HYPOMYELINATION; Ataxia, Delayed Dentition and Hypomyelination (ADDH); LEUKODYSTROPHY, HYPOMYELINATING, 7, WITH OLIGODONTIA; LEUKODYSTROPHY, HYPOMYELINATING, 7, WITH OLIGODONTIA AND HYPOGONADOTROPIC HYPOGONADISM; LEUKODYSTROPHY, HYPOMYELINATING, 7, WITHOUT OLIGODONTIA OR HYPOGONADOTROPIC HYPOGONADISM. Identifiers: Orphanet 137639, Orphanet 447893, Orphanet 447896, Orphanet 77295, Orphanet 88637, MedGen CN034185, MONDO:0011897, OMIM 607694.

Allele frequency attached by ClinVar (database versions not stated): ExAC 0.00001; gnomAD exomes 0.00001 and 0.00002.
gnomAD v4.1: 33 of 1,614,066 alleles (0.002%); highest among the groups gnomAD compares: Non-Finnish European, 0.0028%; no homozygotes.

Submissions (3):

Broad Center for Mendelian Genomics, Broad Institute of MIT and Harvard
Classification: Likely pathogenic for Leukodystrophy, hypomyelinating, 7, with or without oligodontia and/or hypogonadotropic hypogonadism. Last evaluated: 2023-01-24. Review status: criteria provided, single submitter. Criteria: ACMG Guidelines, 2015. Collection method: curation. Allele origin: germline. Inheritance: Autosomal recessive inheritance.
Comment: The p.Gln707Ter variant in POLR3A has been reported in 1 individual with POLR3A-related disorders (PMID: 32582862), and has been identified in 0.002% (2/113746) of European (non-Finnish) chromosomes by the Genome Aggregation Database (gnomAD; dbSNP ID: rs780839834). Although this variant has been seen in the general population in a heterozygous state, its frequency is low enough to be consistent with a recessive carrier frequency. This variant has also been reported in ClinVar (Variation ID#: 430255) and has been interpreted as pathogenic or likely pathogenic by GeneDx and MyeliNeuroGene Lab (McGill University Health Center Research Institute). This nonsense variant leads to a premature termination codon at position 707, which is predicted to lead to a truncated or absent protein. Loss of function of the POLR3A gene is an established disease mechanism in autosomal recessive POLR3A-related disorders. In summary, although additional studies are required to fully establish its clinical significance, this variant is likely pathogenic for autosomal recessive POLR3A-related disorders. ACMG/AMP Criteria applied: PVS1, PM2 (Richards 2015).

GeneDx
Classification: Likely pathogenic. Last evaluated: 2015-11-28. Review status: criteria provided, single submitter. Criteria: GeneDx Variant Classification (06012015). Collection method: clinical testing. Allele origin: germline. Affected: yes.
Comment: The Q707X variant in the POLR3A gene has not been reported previously as a pathogenic variant nor as a benign variant, to our knowledge. This variant is predicted to cause loss of normal protein function either through protein truncation or nonsense-mediated mRNA decay. The Q707X variant was not observed in approximately 6500 individuals of European and African American ancestry in the NHLBI Exome Sequencing Project, indicating it is not a common benign variant in these populations. Protein truncating pathogenic variants downstream of this variant have been reported in the Human Gene Mutation Database in association with POLR3A-related disorders (Stenson et al., 2014), supporting the pathogenicity of more upstream truncating variants. We interpret Q707X as a likely pathogenic variant, however the possibility it may be a rare benign variant cannot be excluded

MyeliNeuroGene Lab, McGill University Health Center Research Institute
Classification: Pathogenic for LEUKODYSTROPHY, HYPOMYELINATING, 7, WITH OR WITHOUT OLIGODONTIA AND/OR HYPOGONADOTROPIC HYPOGONADISM; HLD7. Review status: criteria provided, single submitter. Criteria: ACMG Guidelines, 2015. Collection method: research. Allele origin: inherited. Inheritance: Autosomal recessive inheritance. Affected: no. Observed: 1 variant allele, 1 compound heterozygote.

Literature cited by the submitters: PubMed 614258 (cited by MyeliNeuroGene Lab, McGill University Health Center Research Institute).